The following is an entry in ClinVar:

NM_032383.5(HPS3):c.224A>T (p.Tyr75Phe)

Gene: HPS3 (HPS3 biogenesis of lysosomal organelles complex 2 subunit 1; plus strand). Cytogenetic location: 3q24.
Variant type: single nucleotide variant.
Coding change: c.224A>T on transcript NM_032383.5 (MANE Select); coding-DNA position 224, A replaced by T.
Protein change: p.Tyr75Phe; replaces tyrosine 75 with phenylalanine.
Molecular consequence: missense variant. On other transcripts: intron variant (1).
Genome position (GRCh38, 1-based): chr3:149,140,010, A>T. VCF-style: chr3-149140010-A-T. GRCh37 (hg19) VCF-style: chr3-148857797-A-T.
Other names: p.Tyr75Phe; c.218-1007A>T (NM_001308258.2); short protein forms Y75F.
Identifiers: ClinVar variation 3379502 (VCV003379502.1).
Genomic context (GRCh38, chr3:149,140,010, plus strand): 5'-AGGTGGTTGTATTTCTAATTACAAATTCTCAGTATAATCTTCATTCCTTCTCAGGAGATT[A>T]TTTGGTAGCAATTGAAGAGAAAAACAAAGCTACATTTCTACGTGCTTATGTGAACTGGAG-3'
Protein context (NP_115759.2, residues 65-85): LRLAYSEAGD[Tyr75Phe]LVAIEEKNKA

ClinVar aggregate classification (germline): Uncertain significance (1 of 4 stars; one submission).

gnomAD v4.1: 24 of 1,612,740 alleles (0.0015%); highest among the groups gnomAD compares: Non-Finnish European, 0.00051%; no homozygotes.

Submission:

Mayo Clinic Laboratories, Mayo Clinic
Classification: Uncertain significance. Last evaluated: 2024-03-14. Review status: criteria provided, single submitter. Criteria: ACMG Guidelines, 2015. Collection method: clinical testing. Allele origin: germline. Observed: 1 variant allele.
Comment: PM1_supporting, PM2_moderate